The following is an entry in ClinVar:

ClinVar aggregate classification (germline): Uncertain significance (1 of 4 stars; one submission).

Allele frequency attached by ClinVar (database versions not stated): gnomAD exomes below 0.00001.

Submission:

Labcorp Genetics (formerly Invitae), Labcorp
Classification: Uncertain significance. Last evaluated: 2022-07-12. Review status: criteria provided, single submitter. Criteria: Invitae Variant Classification Sherloc (09022015). Collection method: clinical testing. Allele origin: germline.
Comment: This sequence change replaces methionine, which is neutral and non-polar, with valine, which is neutral and non-polar, at codon 853 of the GPR179 protein (p.Met853Val). This variant is not present in population databases (gnomAD no frequency). This variant has not been reported in the literature in individuals affected with GPR179-related conditions. Algorithms developed to predict the effect of missense changes on protein structure and function output the following: SIFT: "Tolerated"; PolyPhen-2: "Benign"; Align-GVGD: "Class C0". The valine amino acid residue is found in multiple mammalian species, which suggests that this missense change does not adversely affect protein function. In summary, the available evidence is currently insufficient to determine the role of this variant in disease. Therefore, it has been classified as a Variant of Uncertain Significance.

NM_001004334.4(GPR179):c.2557A>G (p.Met853Val)

Gene: GPR179 (G protein-coupled receptor 179; minus strand). Cytogenetic location: 17q12.
Variant type: single nucleotide variant.
Coding change: c.2557A>G on transcript NM_001004334.4 (MANE Select); coding-DNA position 2557, A replaced by G.
Protein change: p.Met853Val; replaces methionine 853 with valine.
Molecular consequence: missense variant.
Genome position (GRCh38, 1-based): chr17:38,331,012, T>C on the plus strand (A>G on the coding strand, the complement: GPR179 is on the minus strand). VCF-style: chr17-38331012-T-C. GRCh37 (hg19) VCF-style: chr17-36486895-T-C.
Other names: short protein forms M853V.
Identifiers: ClinVar variation 2090806 (VCV002090806.4), dbSNP rs556167779, ClinGen allele CA398882962.